The following is an entry in ClinVar:

ClinVar aggregate classification (germline): Likely pathogenic (1 of 4 stars; one submission).

Conditions:
Mitochondrial trifunctional protein deficiency. Identifiers: Orphanet 746, MedGen C1969443, MONDO:0012172.

Submission:

Labcorp Genetics (formerly Invitae), Labcorp
Classification: Likely pathogenic for Mitochondrial trifunctional protein deficiency. Last evaluated: 2023-04-22. Review status: criteria provided, single submitter. Criteria: Invitae Variant Classification Sherloc (09022015). Collection method: clinical testing. Allele origin: germline.
Comment: This variant is not present in population databases (gnomAD no frequency). This sequence change affects a donor splice site in intron 14 of the HADHB gene. It is expected to disrupt RNA splicing. Variants that disrupt the donor or acceptor splice site typically lead to a loss of protein function (PMID: 16199547), and loss-of-function variants in HADHB are known to be pathogenic (PMID: 9259266, 12754706). This variant has not been reported in the literature in individuals affected with HADHB-related conditions. In summary, the currently available evidence indicates that the variant is pathogenic, but additional data are needed to prove that conclusively. Therefore, this variant has been classified as Likely Pathogenic. Algorithms developed to predict the effect of sequence changes on RNA splicing suggest that this variant may disrupt the consensus splice site.

Literature cited by the submitters: PubMed 16199547; PubMed 9259266; PubMed 12754706.

NM_000183.3(HADHB):c.1224+1G>A

Gene: HADHB (hydroxyacyl-CoA dehydrogenase trifunctional multienzyme complex subunit beta; plus strand). Cytogenetic location: 2p23.3.
Variant type: single nucleotide variant.
Coding change: c.1224+1G>A on transcript NM_000183.3 (MANE Select); the canonical splice donor site of the intron after coding-DNA position 1224, G replaced by A.
Molecular consequence: splice donor variant.
Genome position (GRCh38, 1-based): chr2:26,284,958, G>A. VCF-style: chr2-26284958-G-A. GRCh37 (hg19) VCF-style: chr2-26507826-G-A.
Other names: c.1158+1G>A (NM_001281513.2); c.1179+1G>A (NM_001281512.2).
Identifiers: ClinVar variation 3009719 (VCV003009719.3), dbSNP rs2465737402, ClinGen allele CA346096192.
Genomic context (GRCh38, chr2:26,284,958, plus strand): 5'-AATTTTAAAGCCATGGATTCTGATTGGTTTGCAGAAAACTACATGGGTAGAAAAACCAAG[G>A]TGAGTTTCTAATTTTAAAAAATGCGTGAATTTTCAAAGCACGTTAATAATTGGATCTTAG-3'